The following is an entry in ClinVar:

NM_014855.3(AP5Z1):c.1088C>T (p.Ser363Phe)

Gene: AP5Z1 (adaptor related protein complex 5 subunit zeta 1; plus strand). Cytogenetic location: 7p22.1.
Variant type: single nucleotide variant.
Coding change: c.1088C>T on transcript NM_014855.3 (MANE Select); coding-DNA position 1088, C replaced by T.
Protein change: p.Ser363Phe; replaces serine 363 with phenylalanine.
Molecular consequence: missense variant. On other transcripts: non-coding transcript variant (1).
Genome position (GRCh38, 1-based): chr7:4,785,640, C>T. VCF-style: chr7-4785640-C-T. GRCh37 (hg19) VCF-style: chr7-4825271-C-T.
Other names: c.620C>T, p.Ser207Phe (NM_001364858.1); short protein forms S363F, S207F.
Identifiers: ClinVar variation 2804223 (VCV002804223.3), dbSNP rs931591598, ClinGen allele CA153024456.

ClinVar aggregate classification (germline): Uncertain significance (1 of 4 stars; one submission).

Conditions:
Hereditary spastic paraplegia 48. Also called: SPASTIC PARAPLEGIA 48, AUTOSOMAL RECESSIVE; Spastic paraplegia 48. Identifiers: Orphanet 306511, MedGen C3150901, MONDO:0013342, OMIM 613647.

Allele frequency attached by ClinVar (database versions not stated): gnomAD exomes below 0.00001.
gnomAD v4.1: 2 of 1,565,552 alleles (0.00013%); highest among the groups gnomAD compares: African/African-American, 0.0013%; no homozygotes.

Submission:

Labcorp Genetics (formerly Invitae), Labcorp
Classification: Uncertain significance for Hereditary spastic paraplegia 48. Last evaluated: 2024-01-29. Review status: criteria provided, single submitter. Criteria: Invitae Variant Classification Sherloc (09022015). Collection method: clinical testing. Allele origin: germline.
Comment: This sequence change replaces serine, which is neutral and polar, with phenylalanine, which is neutral and non-polar, at codon 363 of the AP5Z1 protein (p.Ser363Phe). This variant is not present in population databases (gnomAD no frequency). This variant has not been reported in the literature in individuals affected with AP5Z1-related conditions. Advanced modeling of protein sequence and biophysical properties (such as structural, functional, and spatial information, amino acid conservation, physicochemical variation, residue mobility, and thermodynamic stability) performed at Invitae indicates that this missense variant is not expected to disrupt AP5Z1 protein function with a negative predictive value of 80%. In summary, the available evidence is currently insufficient to determine the role of this variant in disease. Therefore, it has been classified as a Variant of Uncertain Significance.